The following is an entry in ClinVar:

NM_001242896.3(DEPDC5):c.716G>C (p.Arg239Pro)

Gene: DEPDC5 (DEP domain containing 5, GATOR1 subcomplex subunit; plus strand). Cytogenetic location: 22q12.2.
Variant type: single nucleotide variant.
Coding change: c.716G>C on transcript NM_001242896.3 (MANE Select); coding-DNA position 716, G replaced by C.
Protein change: p.Arg239Pro; replaces arginine 239 with proline.
Molecular consequence: missense variant. On other transcripts: non-coding transcript variant (5).
Genome position (GRCh38, 1-based): chr22:31,792,766, G>C. VCF-style: chr22-31792766-G-C. GRCh37 (hg19) VCF-style: chr22-32188752-G-C.
Other names: c.716G>C, p.Arg239Pro (NM_001007188.4, NM_001136029.4, NM_001242897.2 and 7 more transcripts); c.632G>C, p.Arg211Pro (NM_001369901.1, NM_001369902.1); short protein forms R211P, R239P.
Identifiers: ClinVar variation 2741234 (VCV002741234.3), dbSNP rs371511498, ClinGen allele CA10196090.
Genomic context (GRCh38, chr22:31,792,766, plus strand): 5'-TCTCAGCCTGAACTACATACTCCGTTTTCTCTATTTCAGATGAATTTCCTGAAATAAACC[G>C]AGCCTCAATTCGACAGGATCACAAGGGGAGATTCTATGAAGACTTTTACAAGTATGTTTG-3'
Protein context (NP_001229825.1, residues 229-249): KSVDEFPEIN[Arg239Pro]ASIRQDHKGR

ClinVar aggregate classification (germline): Uncertain significance (1 of 4 stars; one submission).

Conditions:
Familial focal epilepsy with variable foci (FPEVF). Identifiers: Orphanet 98820, MedGen C1858477, MONDO:0020310.

Allele frequency attached by ClinVar (database versions not stated): ESP Exome Variant Server 0.00008.
gnomAD v4.1: 15 of 1,551,162 alleles (0.00097%); highest among the groups gnomAD compares: South Asian, 0.0038%; no homozygotes.

Submission:

Labcorp Genetics (formerly Invitae), Labcorp
Classification: Uncertain significance for Familial focal epilepsy with variable foci. Last evaluated: 2023-03-08. Review status: criteria provided, single submitter. Criteria: Invitae Variant Classification Sherloc (09022015). Collection method: clinical testing. Allele origin: germline.
Comment: This sequence change replaces arginine, which is basic and polar, with proline, which is neutral and non-polar, at codon 239 of the DEPDC5 protein (p.Arg239Pro). This variant is present in population databases (rs371511498, gnomAD 0.009%). This variant has not been reported in the literature in individuals affected with DEPDC5-related conditions. Experimental studies and prediction algorithms are not available or were not evaluated, and the functional significance of this variant is currently unknown. In summary, the available evidence is currently insufficient to determine the role of this variant in disease. Therefore, it has been classified as a Variant of Uncertain Significance.